The following is an entry in ClinVar:

NM_005909.5(MAP1B):c.7304A>T (p.Glu2435Val)

Gene: MAP1B (microtubule associated protein 1B; plus strand). Cytogenetic location: 5q13.2.
Variant type: single nucleotide variant.
Coding change: c.7304A>T on transcript NM_005909.5 (MANE Select); coding-DNA position 7304, A replaced by T.
Protein change: p.Glu2435Val; replaces glutamic acid 2435 with valine.
Molecular consequence: missense variant.
Genome position (GRCh38, 1-based): chr5:72,205,136, A>T. VCF-style: chr5-72205136-A-T. GRCh37 (hg19) VCF-style: chr5-71500963-A-T.
Other names: c.6926A>T, p.Glu2309Val (NM_001324255.2); short protein forms E2435V, E2309V.
Identifiers: ClinVar variation 2251133 (VCV002251133.3), dbSNP rs2478602247, ClinGen allele CA359980755.

ClinVar aggregate classification (germline): Uncertain significance. Review status: criteria provided, multiple submitters, no conflicts (2 of 4 stars). 2 submissions from 2 submitters: Uncertain significance (2). Last evaluated 2023-08-02.

Conditions:
Inborn genetic diseases. Identifiers: MedGen C0950123, MeSH D030342.

Submissions (2):

GeneDx
Classification: Uncertain significance. Last evaluated: 2023-08-02. Review status: criteria provided, single submitter. Criteria: GeneDx Variant Classification Process June 2021. Collection method: clinical testing. Allele origin: germline. Affected: yes.
Comment: Has not been previously published as pathogenic or benign to our knowledge; Not observed at significant frequency in large population cohorts (gnomAD); In silico analysis supports that this missense variant has a deleterious effect on protein structure/function

Ambry Genetics
Classification: Uncertain significance for Inborn genetic diseases. Last evaluated: 2021-09-17. Review status: criteria provided, single submitter. Criteria: Ambry Variant Classification Scheme 2023. Collection method: clinical testing. Allele origin: germline.